The following is an entry in ClinVar:

ClinVar aggregate classification (germline): Uncertain significance (1 of 4 stars; one submission).

Allele frequency attached by ClinVar (database versions not stated): TOPMed below 0.00001; gnomAD 0.00001.
gnomAD v4.1: 1 of 1,551,398 alleles (0.000064%); highest among the groups gnomAD compares: Admixed American, 0.002%; no homozygotes.

Submission:

Labcorp Genetics (formerly Invitae), Labcorp
Classification: Uncertain significance. Last evaluated: 2022-04-12. Review status: criteria provided, single submitter. Criteria: Invitae Variant Classification Sherloc (09022015). Collection method: clinical testing. Allele origin: germline.
Comment: In summary, the available evidence is currently insufficient to determine the role of this variant in disease. Therefore, it has been classified as a Variant of Uncertain Significance. Advanced modeling of protein sequence and biophysical properties (such as structural, functional, and spatial information, amino acid conservation, physicochemical variation, residue mobility, and thermodynamic stability) performed at Invitae indicates that this missense variant is not expected to disrupt CPLANE1 protein function. This variant has not been reported in the literature in individuals affected with CPLANE1-related conditions. This variant is not present in population databases (gnomAD no frequency). This sequence change replaces serine, which is neutral and polar, with cysteine, which is neutral and slightly polar, at codon 985 of the CPLANE1 protein (p.Ser985Cys).

NM_001384732.1(CPLANE1):c.2954C>G (p.Ser985Cys)

Gene: CPLANE1 (ciliogenesis and planar polarity effector complex subunit 1; minus strand). Cytogenetic location: 5p13.2.
Variant type: single nucleotide variant.
Coding change: c.2954C>G on transcript NM_001384732.1 (MANE Select); coding-DNA position 2954, C replaced by G.
Protein change: p.Ser985Cys; replaces serine 985 with cysteine.
Molecular consequence: missense variant.
Genome position (GRCh38, 1-based): chr5:37,206,392, G>C on the plus strand (C>G on the coding strand, the complement: CPLANE1 is on the minus strand). VCF-style: chr5-37206392-G-C. GRCh37 (hg19) VCF-style: chr5-37206494-G-C.
Other names: c.2954C>G, p.Ser985Cys (NM_023073.4); short protein forms S985C.
Identifiers: ClinVar variation 1965213 (VCV001965213.5), dbSNP rs1329807288, ClinGen allele CA359517589.
Genomic context (GRCh38, chr5:37,206,392, plus strand): 5'-GCATATTCAACTGTCCACACATTAGAGAGATTCTGATCTCTAACAACACTGGCCACCTTA[G>C]AGTGTTGCAGAGGAATAAGTCGAAAGGACTGCTCTGTGAGTAAATTTTTAAAAATGGATT-3'
Protein context (NP_001371661.1, residues 975-995): QSFRLIPLQH[Ser985Cys]KVASVVRDQN